The following is an entry in ClinVar:

NM_000203.5(IDUA):c.11T>C (p.Leu4Pro)

Genes: IDUA (alpha-L-iduronidase; plus strand), SLC26A1 (solute carrier family 26 member 1; minus strand). Cytogenetic location: 4p16.3.
Variant type: single nucleotide variant.
Coding change: c.11T>C on transcript NM_000203.5 (MANE Select); coding-DNA position 11, T replaced by C.
Protein change: p.Leu4Pro; replaces leucine 4 with proline.
Molecular consequence: missense variant. On other transcripts: non-coding transcript variant (1), intron variant (1).
Genome position (GRCh38, 1-based): chr4:987,095, T>C. VCF-style: chr4-987095-T-C. GRCh37 (hg19) VCF-style: chr4-980883-T-C.
Other names: p.Leu4Pro; c.576+4033A>G (NM_134425.4); short protein forms L4P.
Identifiers: ClinVar variation 526832 (VCV000526832.22), dbSNP rs180984980, ClinGen allele CA2801097.

ClinVar aggregate classification (germline): Conflicting classifications of pathogenicity. Review status: criteria provided, conflicting classifications (1 of 4 stars). 8 submissions from 8 submitters: Uncertain significance (3); Benign (1); Likely benign (3). 1 of the submissions does not count toward it. Last evaluated 2026-02-04.

Conditions:
Inborn genetic diseases. Identifiers: MedGen C0950123, MeSH D030342.
IDUA-related disorder. Also called: IDUA-related condition.
Mucopolysaccharidosis type 1. Also called: IDUA deficiency; MPS I; Mucopolysaccharidosis Type I. Identifiers: Orphanet 579, MedGen C0023786, MONDO:0001586.

Allele frequency attached by ClinVar (database versions not stated): 1000 Genomes Project 0.00020; ExAC 0.00028; gnomAD exomes 0.00051 and 0.00074; gnomAD 0.00062; TOPMed 0.00080; 1000 Genomes Project 30x 0.00031.
gnomAD v4.1: 1,075 of 1,470,158 alleles (0.073%); highest among the groups gnomAD compares: Non-Finnish European, 0.084%; no homozygotes.

Submissions (8):

Labcorp Genetics (formerly Invitae), Labcorp
Classification: Likely benign for Mucopolysaccharidosis type 1. Last evaluated: 2026-02-04. Review status: criteria provided, single submitter. Criteria: Invitae Variant Classification Sherloc (09022015). Collection method: clinical testing. Allele origin: germline.

PreventionGenetics, part of Exact Sciences
Classification: Likely benign for IDUA-related condition. Last evaluated: 2025-04-07. Review status: criteria provided, single submitter. Criteria: ACMG Guidelines, 2015. Collection method: clinical testing. Allele origin: germline.
Comment: This variant is classified as likely benign based on ACMG/AMP sequence variant interpretation guidelines (Richards et al. 2015 PMID: 25741868, with internal and published modifications).

Blueprint Genetics
Classification: Likely benign. Last evaluated: 2024-11-19. Review status: criteria provided, single submitter. Criteria: ACMG Guidelines, 2015. Collection method: clinical testing. Allele origin: germline.

Mayo Clinic Laboratories, Mayo Clinic
Classification: Uncertain significance. Last evaluated: 2024-07-09. Review status: criteria provided, single submitter. Criteria: ACMG Guidelines, 2015. Collection method: clinical testing. Allele origin: germline. Observed: 1 variant allele.

Ambry Genetics
Classification: Benign for Inborn genetic diseases. Last evaluated: 2022-05-02. Review status: criteria provided, single submitter. Criteria: Ambry Variant Classification Scheme 2023. Collection method: clinical testing. Allele origin: germline.

Revvity Omics, Revvity
Classification: Uncertain significance. Last evaluated: 2020-04-02. Review status: criteria provided, single submitter. Criteria: ACMG Guidelines, 2015. Collection method: clinical testing. Allele origin: germline.

Illumina Laboratory Services, Illumina
Classification: Uncertain significance for Mucopolysaccharidosis type 1. Last evaluated: 2017-04-27. Review status: criteria provided, single submitter. Criteria: ICSL Variant Classification Criteria 13 December 2019. Collection method: clinical testing. Allele origin: germline.

Natera, Inc.
Classification: Likely benign for Mucopolysaccharidosis type I. Last evaluated: 2020-06-01. Review status: no assertion criteria provided. Collection method: clinical testing. Allele origin: germline. Not counted in ClinVar's aggregate classification.

Literature cited by the submitters: PubMed 12203999 (cited by Mayo Clinic Laboratories, Mayo Clinic); PubMed 32483926 (cited by Mayo Clinic Laboratories, Mayo Clinic); PubMed 28518168 (cited by Ambry Genetics); PubMed 32461654 (cited by Ambry Genetics).